The following is an entry in ClinVar:

NM_014319.5(LEMD3):c.2584dup (p.Thr862fs)

Gene: LEMD3 (LEM domain containing 3; plus strand). Cytogenetic location: 12q14.3.
Variant type: Duplication.
Coding change: c.2584dup on transcript NM_014319.5 (MANE Select); coding-DNA position 2584, one base duplicated (A; older notation c.2584dupA).
Protein change: p.Thr862fs; shifts the reading frame from threonine 862.
Molecular consequence: frameshift variant.
Genome position (GRCh38, 1-based): chr12:65,246,173, A duplicated. VCF-style (leftmost placement, unchanged base first): chr12-65246172-T-TA. GRCh37 (hg19) VCF-style: chr12-65639952-T-TA.
Other names: c.2581dup, p.Thr861fs (NM_001167614.2); short protein forms T861fs, T862fs.
Identifiers: ClinVar variation 2756413 (VCV002756413.3), dbSNP rs2498913917, ClinGen allele CA2697559327.

ClinVar aggregate classification (germline): Pathogenic (1 of 4 stars; one submission).

Submission:

Labcorp Genetics (formerly Invitae), Labcorp
Classification: Pathogenic. Last evaluated: 2023-09-21. Review status: criteria provided, single submitter. Criteria: Invitae Variant Classification Sherloc (09022015). Collection method: clinical testing. Allele origin: germline.
Comment: This sequence change creates a premature translational stop signal (p.Thr862Asnfs*9) in the LEMD3 gene. While this is not anticipated to result in nonsense mediated decay, it is expected to disrupt the last 50 amino acid(s) of the LEMD3 protein. For these reasons, this variant has been classified as Pathogenic. This variant disrupts a region of the LEMD3 protein in which other variant(s) (p.Tyr871*) have been determined to be pathogenic (PMID: 26694706). This suggests that this is a clinically significant region of the protein, and that variants that disrupt it are likely to be disease-causing. This variant has not been reported in the literature in individuals affected with LEMD3-related conditions. This variant is not present in population databases (gnomAD no frequency).

Literature cited by the submitters: PubMed 26694706.